The following is an entry in ClinVar:

ClinVar aggregate classification (germline): Uncertain significance (1 of 4 stars; one submission).

Allele frequency attached by ClinVar (database versions not stated): TOPMed below 0.00001; gnomAD 0.00001.
gnomAD v4.1: 1 of 1,564,494 alleles (0.000064%); highest among the groups gnomAD compares: Non-Finnish European, 0.000087%; no homozygotes.

Submission:

Labcorp Genetics (formerly Invitae), Labcorp
Classification: Uncertain significance. Last evaluated: 2024-12-23. Review status: criteria provided, single submitter. Criteria: Invitae Variant Classification Sherloc (09022015). Collection method: clinical testing. Allele origin: germline.
Comment: This sequence change replaces tyrosine, which is neutral and polar, with histidine, which is basic and polar, at codon 1005 of the DCHS1 protein (p.Tyr1005His). This variant is not present in population databases (gnomAD no frequency). This variant has not been reported in the literature in individuals affected with DCHS1-related conditions. ClinVar contains an entry for this variant (Variation ID: 2874130). Invitae Evidence Modeling of protein sequence and biophysical properties (such as structural, functional, and spatial information, amino acid conservation, physicochemical variation, residue mobility, and thermodynamic stability) indicates that this missense variant is not expected to disrupt DCHS1 protein function with a negative predictive value of 80%. In summary, the available evidence is currently insufficient to determine the role of this variant in disease. Therefore, it has been classified as a Variant of Uncertain Significance.

NM_003737.4(DCHS1):c.3013T>C (p.Tyr1005His)

Gene: DCHS1 (dachsous cadherin-related 1; minus strand). Cytogenetic location: 11p15.4.
Variant type: single nucleotide variant.
Coding change: c.3013T>C on transcript NM_003737.4 (MANE Select); coding-DNA position 3013, T replaced by C.
Protein change: p.Tyr1005His; replaces tyrosine 1005 with histidine.
Molecular consequence: missense variant.
Genome position (GRCh38, 1-based): chr11:6,632,499, A>G on the plus strand (T>C on the coding strand, the complement: DCHS1 is on the minus strand). VCF-style: chr11-6632499-A-G. GRCh37 (hg19) VCF-style: chr11-6653730-A-G.
Other names: short protein forms Y1005H.
Identifiers: ClinVar variation 2874130 (VCV002874130.3), dbSNP rs1322585195, ClinGen allele CA379417741.
Genomic context (GRCh38, chr11:6,632,499, plus strand): 5'-GGGCCTGCACTTGCAGGACCTGAGTTCCAGCAGTGGTGCCTGAGGGCAGGTCCACACGGT[A>G]GGTAGGGCTGTTGAATCGGGGAGCCAGCCCACGGGTTCCCACATCCTGTACCACCACCCG-3'
Protein context (NP_003728.1, residues 995-1015): GLAPRFNSPT[Tyr1005His]RVDLPSGTTA